The following is an entry in ClinVar:

ClinVar aggregate classification (germline): Uncertain significance (1 of 4 stars; one submission).

Conditions:
Spastic paraplegia. Identifiers: MedGen C0037772, HP:0001258.

Allele frequency attached by ClinVar (database versions not stated): TOPMed below 0.00001; gnomAD 0.00001 and 0.00002; gnomAD exomes 0.00001; ExAC 0.00021; 1000 Genomes Project 30x 0.00031; 1000 Genomes Project 0.00040.

Submission:

Labcorp Genetics (formerly Invitae), Labcorp
Classification: Uncertain significance for Spastic paraplegia. Last evaluated: 2025-01-06. Review status: criteria provided, single submitter. Criteria: Invitae Variant Classification Sherloc (09022015). Collection method: clinical testing. Allele origin: germline.
Comment: This sequence change replaces alanine, which is neutral and non-polar, with serine, which is neutral and polar, at codon 16 of the B4GALNT1 protein (p.Ala16Ser). The frequency data for this variant in the population databases is considered unreliable, as metrics indicate poor data quality at this position in the gnomAD database. This variant has not been reported in the literature in individuals affected with B4GALNT1-related conditions. ClinVar contains an entry for this variant (Variation ID: 1055660). An algorithm developed to predict the effect of missense changes on protein structure and function (PolyPhen-2) suggests that this variant is likely to be tolerated. In summary, the available evidence is currently insufficient to determine the role of this variant in disease. Therefore, it has been classified as a Variant of Uncertain Significance.

NM_001478.5(B4GALNT1):c.46G>T (p.Ala16Ser)

Gene: B4GALNT1 (beta-1,4-N-acetyl-galactosaminyltransferase 1; minus strand). Cytogenetic location: 12q13.3.
Variant type: single nucleotide variant.
Coding change: c.46G>T on transcript NM_001478.5 (MANE Select); coding-DNA position 46, G replaced by T.
Protein change: p.Ala16Ser; replaces alanine 16 with serine.
Molecular consequence: missense variant.
Genome position (GRCh38, 1-based): chr12:57,632,087, C>A on the plus strand (G>T on the coding strand, the complement: B4GALNT1 is on the minus strand). VCF-style: chr12-57632087-C-A. GRCh37 (hg19) VCF-style: chr12-58025870-C-A.
Other names: c.46G>T, p.Ala16Ser (NM_001276468.2, NM_001276469.2); short protein forms A16S.
Identifiers: ClinVar variation 1055660 (VCV001055660.9), dbSNP rs560242428, ClinGen allele CA6655876.